The following is an entry in ClinVar:

NM_006950.3(SYN1):c.1107C>T (p.Ile369=)

Gene: SYN1 (synapsin I; minus strand). Cytogenetic location: Xp11.3.
Variant type: single nucleotide variant.
Coding change: c.1107C>T on transcript NM_006950.3 (MANE Select); coding-DNA position 1107, C replaced by T.
Protein change: p.Ile369=; no amino-acid change (isoleucine 369 retained).
Molecular consequence: synonymous variant.
Genome position (GRCh38, 1-based): chrX:47,576,182, G>A on the plus strand (C>T on the coding strand, the complement: SYN1 is on the minus strand). VCF-style: chrX-47576182-G-A. GRCh37 (hg19) VCF-style: chrX-47435581-G-A.
Other names: p.I369I:ATC>ATT; c.1107C>T, p.Ile369= (NM_133499.2).
Identifiers: ClinVar variation 96363 (VCV000096363.67), dbSNP rs150248483, ClinGen allele CA224047.
Genomic context (GRCh38, chrX:47,576,182, plus strand): 5'-TGCTCATACCTCAATGATGTGATCCCTTCCGTCCTTGCCATGTAGCGCTTCCACTGCGCA[G>A]ATGTCCAGTCCCCCAAAAATCTCTGAGCACGTGTCCACCCACAGCTTGTATCTGCCAAGA-3'
Protein context (NP_008881.2, residues 359-379): TCSEIFGGLD[Ile369=]CAVEALHGKD

ClinVar aggregate classification (germline): Conflicting classifications of pathogenicity. Review status: criteria provided, conflicting classifications (1 of 4 stars). 11 submissions from 11 submitters: Uncertain significance (3); Benign (2); Likely benign (4). 2 of the submissions do not count toward it. Last evaluated 2026-01-13.

Conditions:
SYN1-related disorder. Also called: SYN1-related condition; SYN1-Related Disorders.
Inborn genetic diseases. Identifiers: MedGen C0950123, MeSH D030342.
Epilepsy, X-linked 1, with variable learning disabilities and behavior disorders. Also called: X-linked epilepsy-learning disabilities-behavior disorders syndrome. Identifiers: Orphanet 85294, MedGen C5774177, MONDO:0010339, OMIM 300491.

Allele frequency attached by ClinVar (database versions not stated): gnomAD exomes 0.00100 and 0.00178; gnomAD 0.00104 and 0.00107; TOPMed 0.00104; ExAC 0.00133; ESP Exome Variant Server 0.00142.
gnomAD v4.1: 2,008 of 1,203,169 alleles (0.17%); highest among the groups gnomAD compares: Non-Finnish European, 0.22%; 1 homozygote.

Submissions (11):

Labcorp Genetics (formerly Invitae), Labcorp
Classification: Benign for Epilepsy, X-linked 1, with variable learning disabilities and behavior disorders. Last evaluated: 2026-01-13. Review status: criteria provided, single submitter. Criteria: Invitae Variant Classification Sherloc (09022015). Collection method: clinical testing. Allele origin: germline.

Athena Diagnostics
Classification: Likely benign. Last evaluated: 2025-10-02. Review status: criteria provided, single submitter. Criteria: Athena Diagnostics Criteria. Collection method: clinical testing. Allele origin: unknown.
Comment: Computational tools yielded predictions that this variant is unlikely to have an effect on normal RNA splicing. This nucleotide position exhibits low evolutionary conservation.

PreventionGenetics, part of Exact Sciences
Classification: Likely benign for SYN1-related condition. Last evaluated: 2025-01-10. Review status: criteria provided, single submitter. Criteria: ACMG Guidelines, 2015. Collection method: clinical testing. Allele origin: germline.
Comment: This variant is classified as likely benign based on ACMG/AMP sequence variant interpretation guidelines (Richards et al. 2015 PMID: 25741868, with internal and published modifications).

Blueprint Genetics
Classification: Likely benign. Last evaluated: 2024-11-22. Review status: criteria provided, single submitter. Criteria: ACMG Guidelines, 2015. Collection method: clinical testing. Allele origin: germline.

CeGaT Center for Human Genetics Tuebingen
Classification: Uncertain significance. Last evaluated: 2019-02-01. Review status: criteria provided, single submitter. Criteria: CeGaT Center For Human Genetics Tuebingen Variant Classification Criteria Version 2. Collection method: clinical testing. Allele origin: germline. Affected: yes. Observed: 6 variant alleles.

Ambry Genetics
Classification: Likely benign for Inborn genetic diseases. Last evaluated: 2016-08-23. Review status: criteria provided, single submitter. Criteria: Ambry Variant Classification Scheme 2023. Collection method: clinical testing. Allele origin: germline.

Eurofins Ntd Llc (ga)
Classification: Uncertain significance. Last evaluated: 2015-09-22. Review status: criteria provided, single submitter. Criteria: EGL Classification Definitions 2015. Collection method: clinical testing. Allele origin: germline. Observed: 2 variant alleles, 1 heterozygote, 1 hemizygote.

Genetic Services Laboratory, University of Chicago
Classification: Uncertain significance. Last evaluated: 2015-05-11. Review status: criteria provided, single submitter. Criteria: ACMG Guidelines, 2015. Collection method: clinical testing. Allele origin: germline.

GeneDx
Classification: Benign. Last evaluated: 2013-07-03. Review status: criteria provided, single submitter. Criteria: GeneDx Variant Classification (06012015). Collection method: clinical testing. Allele origin: germline. Affected: yes.
Comment: This variant is considered likely benign or benign based on one or more of the following criteria: it is a conservative change, it occurs at a poorly conserved position in the protein, it is predicted to be benign by multiple in silico algorithms, and/or has population frequency not consistent with disease.

Clinical Genetics DNA and cytogenetics Diagnostics Lab, Erasmus MC, Erasmus Medical Center
Classification: Likely benign. Review status: no assertion criteria provided. Collection method: clinical testing. Allele origin: germline. Affected: yes. Study: VKGL Data-share Consensus. Not counted in ClinVar's aggregate classification.

Genome Diagnostics Laboratory, University Medical Center Utrecht
Classification: Likely benign. Review status: no assertion criteria provided. Collection method: clinical testing. Allele origin: germline. Affected: yes. Study: VKGL Data-share Consensus. Not counted in ClinVar's aggregate classification.